The following is an entry in ClinVar:

NM_001018115.3(FANCD2):c.1325T>G (p.Leu442Trp)

Genes: FANCD2 (FA complementation group D2; plus strand), LOC107303338 (3p25 FANCD2 Alu-mediated recombination region; plus strand). Cytogenetic location: 3p25.3.
Variant type: single nucleotide variant.
Coding change: c.1325T>G on transcript NM_001018115.3 (MANE Select); coding-DNA position 1325, T replaced by G.
Protein change: p.Leu442Trp; replaces leucine 442 with tryptophan.
Molecular consequence: missense variant.
Genome position (GRCh38, 1-based): chr3:10,047,963, T>G. VCF-style: chr3-10047963-T-G. GRCh37 (hg19) VCF-style: chr3-10089647-T-G.
Other names: c.1325T>G, p.Leu442Trp (NM_001319984.2, NM_001374253.1, NM_001374254.1 and 1 more transcripts); short protein forms L442W.
Identifiers: ClinVar variation 956665 (VCV000956665.10), dbSNP rs1400034764, ClinGen allele CA351735969.

ClinVar aggregate classification (germline): Uncertain significance (1 of 4 stars; one submission).

Conditions:
Fanconi anemia (FA). Also called: Fanconi's anemia. Identifiers: Orphanet 84, MedGen C0015625, MeSH D005199, MONDO:0019391.

Allele frequency attached by ClinVar (database versions not stated): gnomAD 0.00001.

Submission:

Labcorp Genetics (formerly Invitae), Labcorp
Classification: Uncertain significance for Fanconi anemia. Last evaluated: 2019-09-21. Review status: criteria provided, single submitter. Criteria: Invitae Variant Classification Sherloc (09022015). Collection method: clinical testing. Allele origin: germline.
Comment: This variant has not been reported in the literature in individuals with FANCD2-related conditions. This variant is not present in population databases (ExAC no frequency). This sequence change replaces leucine with tryptophan at codon 442 of the FANCD2 protein (p.Leu442Trp). The leucine residue is weakly conserved and there is a small physicochemical difference between leucine and tryptophan. Algorithms developed to predict the effect of missense changes on protein structure and function are either unavailable or do not agree on the potential impact of this missense change (SIFT: "Deleterious"; PolyPhen-2: "Probably Damaging"; Align-GVGD: "Class C0"). In summary, the available evidence is currently insufficient to determine the role of this variant in disease. Therefore, it has been classified as a Variant of Uncertain Significance.